The following is an entry in ClinVar:

ClinVar aggregate classification (germline): Uncertain significance. Review status: criteria provided, multiple submitters, no conflicts (2 of 4 stars). 7 submissions from 7 submitters: Uncertain significance (6). 1 of the submissions does not count toward it. Last evaluated 2026-01-22.

Conditions:
Hereditary cancer-predisposing syndrome. Also called: Hereditary Cancer Syndrome; Neoplastic Syndromes, Hereditary; Tumor predisposition; Hereditary neoplastic syndrome. Identifiers: Orphanet 140162, MedGen C0027672, MeSH D009386, MONDO:0015356.
Familial cancer of breast. Also called: BREAST CANCER, FAMILIAL; Hereditary breast cancer; hereditary breast carcinoma. Identifiers: Orphanet 227535, MedGen C0346153, MONDO:0016419, OMIM 114480. Disease mechanism: loss of function.
Ataxia-telangiectasia syndrome (AT). Also called: Ataxia-telangiectasia, complementation group D; AT, COMPLEMENTATION GROUP C; ATAXIA-TELANGIECTASIA, COMPLEMENTATION GROUP A; ATAXIA-TELANGIECTASIA, FRESNO VARIANT; Ataxia-telangiectasia; LOUIS-BAR SYNDROME. Identifiers: Orphanet 100, MedGen C0004135, MONDO:0008840, OMIM 208900.

Allele frequency attached by ClinVar (database versions not stated): ExAC 0.00001; gnomAD exomes 0.00002; gnomAD 0.00007; ESP Exome Variant Server 0.00008; TOPMed 0.00008.
gnomAD v4.1: 15 of 1,613,114 alleles (0.00093%); highest among the groups gnomAD compares: African/African-American, 0.02%; no homozygotes.

Submissions (7):

Labcorp Genetics (formerly Invitae), Labcorp
Classification: Uncertain significance for Ataxia-telangiectasia syndrome. Last evaluated: 2026-01-22. Review status: criteria provided, single submitter. Criteria: Invitae Variant Classification Sherloc (09022015). Collection method: clinical testing. Allele origin: germline.
Comment: This sequence change replaces phenylalanine, which is neutral and non-polar, with leucine, which is neutral and non-polar, at codon 1265 of the ATM protein (p.Phe1265Leu). This variant is present in population databases (rs371526361, gnomAD 0.03%). This missense change has been observed in individual(s) with breast cancer (PMID: 33646313). ClinVar contains an entry for this variant (Variation ID: 187620). Invitae Evidence Modeling of protein sequence and biophysical properties (such as structural, functional, and spatial information, amino acid conservation, physicochemical variation, residue mobility, and thermodynamic stability) indicates that this missense variant is not expected to disrupt ATM protein function with a negative predictive value of 95%. In summary, the available evidence is currently insufficient to determine the role of this variant in disease. Therefore, it has been classified as a Variant of Uncertain Significance.

Ambry Genetics
Classification: Uncertain significance for Hereditary cancer-predisposing syndrome. Last evaluated: 2024-09-18. Review status: criteria provided, single submitter. Criteria: Ambry Variant Classification Scheme 2023. Collection method: clinical testing. Allele origin: germline.
Comment: The p.F1265L variant (also known as c.3793T>C), located in coding exon 25 of the ATM gene, results from a T to C substitution at nucleotide position 3793. The phenylalanine at codon 1265 is replaced by leucine, an amino acid with highly similar properties. This alteration was identified in an individual diagnosed with breast cancer (George SHL et al. JAMA Netw Open, 2021 03;4:e210307). This amino acid position is highly conserved in available vertebrate species. In addition, the in silico prediction for this alteration is inconclusive. Based on the available evidence, the clinical significance of this variant remains unclear.

Baylor Genetics
Classification: Uncertain significance for Familial cancer of breast. Last evaluated: 2024-02-27. Review status: criteria provided, single submitter. Criteria: ACMG Guidelines, 2015. Collection method: clinical testing. Allele origin: unknown.

GeneDx
Classification: Uncertain significance. Last evaluated: 2024-02-05. Review status: criteria provided, single submitter. Criteria: GeneDx Variant Classification Process June 2021. Collection method: clinical testing. Allele origin: germline. Affected: yes.
Comment: In silico analysis supports that this missense variant does not alter protein structure/function; Identified in individuals with breast or ovarian cancer (PMID: 33646313); This variant is associated with the following publications: (PMID: 33646313)

Color Diagnostics, LLC DBA Color Health
Classification: Uncertain significance for Hereditary cancer-predisposing syndrome. Last evaluated: 2019-04-18. Review status: criteria provided, single submitter. Criteria: ACMG Guidelines, 2015. Collection method: clinical testing. Allele origin: germline.

Women's Health and Genetics/Laboratory Corporation of America, LabCorp
Classification: Uncertain significance. Last evaluated: 2018-08-31. Review status: criteria provided, single submitter. Criteria: LabCorp Variant Classification Summary - May 2015. Collection method: clinical testing. Allele origin: germline.
Comment: Variant summary: ATM c.3793T>C (p.Phe1265Leu) results in a non-conservative amino acid change in the encoded protein sequence. Three of five in-silico tools predict a benign effect of the variant on protein function. The variant allele was found at a frequency of 2.5e-05 in 276924 control chromosomes. The available data on variant occurrences in the general population are insufficient to allow any conclusion about variant significance. To our knowledge, no occurrence of c.3793T>C in individuals affected with Ataxia-Telangiectasia and no experimental evidence demonstrating its impact on protein function have been reported. Three clinical diagnostic laboratories have submitted clinical-significance assessments for this variant to ClinVar after 2014 without evidence for independent evaluation. All laboratories classified the variant as uncertain significance. Based on the evidence outlined above, the variant was classified as uncertain significance.

Natera, Inc.
Classification: Uncertain significance for Ataxia-telangiectasia. Last evaluated: 2020-08-14. Review status: no assertion criteria provided. Collection method: clinical testing. Allele origin: germline. Not counted in ClinVar's aggregate classification.

Literature cited by the submitters: PubMed 33646313 (cited by Labcorp Genetics (formerly Invitae), Labcorp and Ambry Genetics).

NM_000051.4(ATM):c.3793T>C (p.Phe1265Leu)

Gene: ATM (ATM serine/threonine kinase; plus strand). Cytogenetic location: 11q22.3.
Variant type: single nucleotide variant.
Coding change: c.3793T>C on transcript NM_000051.4 (MANE Select); coding-DNA position 3793, T replaced by C.
Protein change: p.Phe1265Leu; replaces phenylalanine 1265 with leucine.
Molecular consequence: missense variant.
Genome position (GRCh38, 1-based): chr11:108,284,273, T>C. VCF-style: chr11-108284273-T-C. GRCh37 (hg19) VCF-style: chr11-108155000-T-C.
Other names: c.3793T>C, p.Phe1265Leu (NM_001351834.2); short protein forms F1265L.
Identifiers: ClinVar variation 187620 (VCV000187620.23), dbSNP rs371526361, ClinGen allele CA198110.